The following is an entry in ClinVar:

NM_015602.4(TOR1AIP1):c.1750T>A (p.Ter584Lys)

Gene: TOR1AIP1 (torsin 1A interacting protein 1; plus strand). Cytogenetic location: 1q25.2.
Variant type: single nucleotide variant.
Coding change: c.1750T>A on transcript NM_015602.4 (MANE Select); coding-DNA position 1750, T replaced by A.
Protein change: p.Ter584Lys.
Molecular consequence: stop lost.
Genome position (GRCh38, 1-based): chr1:179,918,237, T>A. VCF-style: chr1-179918237-T-A. GRCh37 (hg19) VCF-style: chr1-179887372-T-A.
Other names: *584K; *585K; c.1753T>A, p.Ter585Lys (NM_001267578.2).
Identifiers: ClinVar variation 957114 (VCV000957114.8), dbSNP rs1649088273, ClinGen allele CA343576917.

ClinVar aggregate classification (germline): Uncertain significance (1 of 4 stars; one submission).

Conditions:
Autosomal recessive limb-girdle muscular dystrophy type 2Y (MRRSDC). Also called: Muscular dystrophy, limb-girdle, type 2y; Muscular dystrophy, autosomal recessive, with rigid spine and distal joint contractures. Identifiers: Orphanet 424261, MedGen C4511482, MONDO:0014900, OMIM 617072.

Submission:

Labcorp Genetics (formerly Invitae), Labcorp
Classification: Uncertain significance for Autosomal recessive limb-girdle muscular dystrophy type 2Y. Last evaluated: 2022-09-14. Review status: criteria provided, single submitter. Criteria: Invitae Variant Classification Sherloc (09022015). Collection method: clinical testing. Allele origin: germline.
Comment: In summary, the available evidence is currently insufficient to determine the role of this variant in disease. Therefore, it has been classified as a Variant of Uncertain Significance. This sequence change disrupts the translational stop signal of the TOR1AIP1 mRNA. It is expected to extend the length of the TOR1AIP1 protein by 29 additional amino acid residues. This variant is not present in population databases (gnomAD no frequency). This variant has not been reported in the literature in individuals affected with TOR1AIP1-related conditions. ClinVar contains an entry for this variant (Variation ID: 957114).